The following is an entry in ClinVar:

ClinVar aggregate classification (germline): Uncertain significance. Review status: criteria provided, multiple submitters, no conflicts (2 of 4 stars). 2 submissions from 2 submitters: Uncertain significance (2). Last evaluated 2025-01-16.

Conditions:
Cardiovascular phenotype. Identifiers: MedGen CN230736.
Hypertrophic cardiomyopathy. Also called: HYPERTROPHIC MYOCARDIOPATHY. Identifiers: Orphanet 217569, MedGen C0007194, MeSH D002312, MONDO:0005045, HP:0001639.

Allele frequency attached by ClinVar (database versions not stated): gnomAD exomes 0.00001; ExAC 0.00002.
gnomAD v4.1: 10 of 1,571,244 alleles (0.00064%); highest among the groups gnomAD compares: South Asian, 0.0023%; no homozygotes.

Submissions (2):

Labcorp Genetics (formerly Invitae), Labcorp
Classification: Uncertain significance for Hypertrophic cardiomyopathy. Last evaluated: 2025-01-16. Review status: criteria provided, single submitter. Criteria: Invitae Variant Classification Sherloc (09022015). Collection method: clinical testing. Allele origin: germline.
Comment: This sequence change replaces proline, which is neutral and non-polar, with leucine, which is neutral and non-polar, at codon 585 of the JPH2 protein (p.Pro585Leu). This variant is present in population databases (rs778570166, gnomAD 0.004%). This variant has not been reported in the literature in individuals affected with JPH2-related conditions. ClinVar contains an entry for this variant (Variation ID: 1779445). An algorithm developed to predict the effect of missense changes on protein structure and function (PolyPhen-2) suggests that this variant is likely to be disruptive. In summary, the available evidence is currently insufficient to determine the role of this variant in disease. Therefore, it has been classified as a Variant of Uncertain Significance.

Ambry Genetics
Classification: Uncertain significance for Cardiovascular phenotype. Last evaluated: 2021-01-20. Review status: criteria provided, single submitter. Criteria: Ambry Variant Classification Scheme 2023. Collection method: clinical testing. Allele origin: germline.
Comment: The p.P585L variant (also known as c.1754C>T), located in coding exon 4 of the JPH2 gene, results from a C to T substitution at nucleotide position 1754. The proline at codon 585 is replaced by leucine, an amino acid with similar properties. This amino acid position is well conserved in available vertebrate species. In addition, this alteration is predicted to be tolerated by in silico analysis. Since supporting evidence is limited at this time, the clinical significance of this alteration remains unclear.

NM_020433.5(JPH2):c.1754C>T (p.Pro585Leu)

Gene: JPH2 (junctophilin 2; minus strand). Cytogenetic location: 20q13.12.
Variant type: single nucleotide variant.
Coding change: c.1754C>T on transcript NM_020433.5 (MANE Select); coding-DNA position 1754, C replaced by T.
Protein change: p.Pro585Leu; replaces proline 585 with leucine.
Molecular consequence: missense variant.
Genome position (GRCh38, 1-based): chr20:44,115,921, G>A on the plus strand (C>T on the coding strand, the complement: JPH2 is on the minus strand). VCF-style: chr20-44115921-G-A. GRCh37 (hg19) VCF-style: chr20-42744561-G-A.
Other names: short protein forms P585L.
Identifiers: ClinVar variation 1779445 (VCV001779445.5), dbSNP rs778570166, ClinGen allele CA9868621.